The following is an entry in ClinVar:

NM_017780.4(CHD7):c.3202-84C>G

Gene: CHD7 (chromodomain helicase DNA binding protein 7; plus strand). Cytogenetic location: 8q12.2.
Variant type: single nucleotide variant.
Coding change: c.3202-84C>G on transcript NM_017780.4 (MANE Select); 84 bases into the intron before coding-DNA position 3202, C replaced by G.
Molecular consequence: intron variant.
Genome position (GRCh38, 1-based): chr8:60,823,756, C>G. VCF-style: chr8-60823756-C-G. GRCh37 (hg19) VCF-style: chr8-61736315-C-G.
Other names: c.1717-38473C>G (NM_001316690.1).
Identifiers: ClinVar variation 4292208 (VCV004292208.1).

ClinVar aggregate classification (germline): Uncertain significance (1 of 4 stars; one submission).

Conditions:
CHARGE syndrome (CHARGE). Also called: Hittner Hirsch Kreh syndrome; CHARGE ASSOCIATION--COLOBOMA, HEART ANOMALY, CHOANAL ATRESIA, RETARDATION, GENITAL AND EAR ANOMALIES; Coloboma, heart anomaly, choanal atresia, retardation, genital and ear anomalies; CHARGE association; Hall-Hittner syndrome. Identifiers: Orphanet 138, MedGen C0265354, MONDO:0008965.

Submission:

3billion
Classification: Uncertain significance for CHD7-related CHARGE syndrome. Last evaluated: 2024-11-08. Review status: criteria provided, single submitter. Criteria: ACMG Guidelines, 2015. Collection method: clinical testing. Allele origin: germline. Affected: yes.
Comment: The variant is not observed in the gnomAD v4.1.0 dataset. Predicted Consequence/Location: Intron variant In silico tools predict the variant to alter splicing and produce an abnormal transcript [SpliceAI: 0.69 (>=0.2, moderate evidence for spliceogenicity)]. Therefore, this variant is classified as VUS according to the recommendation of ACMG/AMP guideline.